The following is an entry in ClinVar:

ClinVar aggregate classification (germline): Uncertain significance (1 of 4 stars; one submission).

Conditions:
Hereditary cancer-predisposing syndrome. Also called: Neoplastic Syndromes, Hereditary; Hereditary Cancer Syndrome; Hereditary neoplastic syndrome; Tumor predisposition. Identifiers: Orphanet 140162, MedGen C0027672, MeSH D009386, MONDO:0015356.

Submission:

Ambry Genetics
Classification: Uncertain significance for Hereditary cancer-predisposing syndrome. Last evaluated: 2023-05-27. Review status: criteria provided, single submitter. Criteria: Ambry Variant Classification Scheme 2023. Collection method: clinical testing. Allele origin: germline.
Comment: The p.L663V variant (also known as c.1987C>G), located in coding exon 15 of the POLD1 gene, results from a C to G substitution at nucleotide position 1987. The leucine at codon 663 is replaced by valine, an amino acid with highly similar properties. This amino acid position is conserved. In addition, the in silico prediction for this alteration is inconclusive. Since supporting evidence is limited at this time, the clinical significance of this alteration remains unclear.

NM_002691.4(POLD1):c.1987C>G (p.Leu663Val)

Gene: POLD1 (DNA polymerase delta 1, catalytic subunit; plus strand). Cytogenetic location: 19q13.33.
Variant type: single nucleotide variant.
Coding change: c.1987C>G on transcript NM_002691.4 (MANE Select); coding-DNA position 1987, C replaced by G.
Protein change: p.Leu663Val; replaces leucine 663 with valine.
Molecular consequence: missense variant. On other transcripts: non-coding transcript variant (1).
Genome position (GRCh38, 1-based): chr19:50,409,216, C>G. VCF-style: chr19-50409216-C-G. GRCh37 (hg19) VCF-style: chr19-50912473-C-G.
Other names: c.1987C>G, p.Leu663Val (NM_001256849.1); c.2065C>G, p.Leu689Val (NM_001308632.1); short protein forms L663V, L689V.
Identifiers: ClinVar variation 2563179 (VCV002563179.2), dbSNP rs2122377619, ClinGen allele CA406982382.